The following is an entry in ClinVar:

NM_005559.4(LAMA1):c.8765C>T (p.Thr2922Ile)

Gene: LAMA1 (laminin subunit alpha 1; minus strand). Cytogenetic location: 18p11.31.
Variant type: single nucleotide variant.
Coding change: c.8765C>T on transcript NM_005559.4 (MANE Select); coding-DNA position 8765, C replaced by T.
Protein change: p.Thr2922Ile; replaces threonine 2922 with isoleucine.
Molecular consequence: missense variant.
Genome position (GRCh38, 1-based): chr18:6,947,242, G>A on the plus strand (C>T on the coding strand, the complement: LAMA1 is on the minus strand). VCF-style: chr18-6947242-G-A. GRCh37 (hg19) VCF-style: chr18-6947241-G-A.
Other names: short protein forms T2922I.
Identifiers: ClinVar variation 1949901 (VCV001949901.5), dbSNP rs1188403743, ClinGen allele CA401834959.
Genomic context (GRCh38, chr18:6,947,242, plus strand): 5'-AGTCCAATGGCATCCACTTTGGCAGTGCTGATCCCCAGGAGGACGCCATTCTGCGAGGAG[G>A]TTCGAAACTCCAGTGTGATGTTCACATCTGACTGGACTTTGTAGCCCTCTTTGACTGTAA-3'
Protein context (NP_005550.2, residues 2912-2932): SDVNITLEFR[Thr2922Ile]SSQNGVLLGI

ClinVar aggregate classification (germline): Uncertain significance (1 of 4 stars; one submission).

gnomAD v4.1: 4 of 1,614,146 alleles (0.00025%); highest among the groups gnomAD compares: Admixed American, 0.0017%; no homozygotes.

Submission:

Labcorp Genetics (formerly Invitae), Labcorp
Classification: Uncertain significance. Last evaluated: 2023-06-29. Review status: criteria provided, single submitter. Criteria: Invitae Variant Classification Sherloc (09022015). Collection method: clinical testing. Allele origin: germline.
Comment: In summary, the available evidence is currently insufficient to determine the role of this variant in disease. Therefore, it has been classified as a Variant of Uncertain Significance. Advanced modeling of protein sequence and biophysical properties (such as structural, functional, and spatial information, amino acid conservation, physicochemical variation, residue mobility, and thermodynamic stability) performed at Invitae indicates that this missense variant is expected to disrupt LAMA1 protein function. ClinVar contains an entry for this variant (Variation ID: 1949901). This variant has not been reported in the literature in individuals affected with LAMA1-related conditions. This variant is not present in population databases (gnomAD no frequency). This sequence change replaces threonine, which is neutral and polar, with isoleucine, which is neutral and non-polar, at codon 2922 of the LAMA1 protein (p.Thr2922Ile).